The following is an entry in ClinVar:

ClinVar aggregate classification (germline): Uncertain significance (1 of 4 stars; one submission).

Allele frequency attached by ClinVar (database versions not stated): gnomAD 0.00001; 1000 Genomes Project 30x 0.00016; 1000 Genomes Project 0.00020.
gnomAD v4.1: 3 of 1,614,164 alleles (0.00019%); highest among the groups gnomAD compares: South Asian, 0.0033%; no homozygotes.

Submission:

Labcorp Genetics (formerly Invitae), Labcorp
Classification: Uncertain significance. Last evaluated: 2022-05-05. Review status: criteria provided, single submitter. Criteria: Invitae Variant Classification Sherloc (09022015). Collection method: clinical testing. Allele origin: germline.
Comment: Algorithms developed to predict the effect of missense changes on protein structure and function are either unavailable or do not agree on the potential impact of this missense change (SIFT: "Tolerated"; PolyPhen-2: "Not Available"; Align-GVGD: "Class C0"). In summary, the available evidence is currently insufficient to determine the role of this variant in disease. Therefore, it has been classified as a Variant of Uncertain Significance. This variant has not been reported in the literature in individuals affected with KDM6B-related conditions. This variant is present in population databases (rs373339030, gnomAD 0.006%). This sequence change replaces alanine, which is neutral and non-polar, with serine, which is neutral and polar, at codon 13 of the KDM6B protein (p.Ala13Ser).

NM_001348716.2(KDM6B):c.37G>T (p.Ala13Ser)

Gene: KDM6B (lysine demethylase 6B; plus strand). Cytogenetic location: 17p13.1.
Variant type: single nucleotide variant.
Coding change: c.37G>T on transcript NM_001348716.2 (MANE Select); coding-DNA position 37, G replaced by T.
Protein change: p.Ala13Ser; replaces alanine 13 with serine.
Molecular consequence: missense variant.
Genome position (GRCh38, 1-based): chr17:7,845,591, G>T. VCF-style: chr17-7845591-G-T. GRCh37 (hg19) VCF-style: chr17-7748909-G-T.
Other names: c.37G>T, p.Ala13Ser (NM_001080424.2); short protein forms A13S.
Identifiers: ClinVar variation 2134332 (VCV002134332.4), dbSNP rs373339030, ClinGen allele CA8360031.